The following is an entry in ClinVar:

NM_001097577.3(ANG):c.345A>G (p.Pro115=)

Genes: ANG (angiogenin; plus strand), EGILA (EGFR interacting lncRNA; minus strand), RNASE4 (ribonuclease A family member 4; plus strand). Cytogenetic location: 14q11.2.
Variant type: single nucleotide variant.
Coding change: c.345A>G on transcript NM_001097577.3 (MANE Select); coding-DNA position 345, A replaced by G.
Protein change: p.Pro115=; no amino-acid change (proline 115 retained).
Molecular consequence: synonymous variant. On other transcripts: intron variant (4).
Genome position (GRCh38, 1-based): chr14:20,693,909, A>G. VCF-style: chr14-20693909-A-G. GRCh37 (hg19) VCF-style: chr14-21162068-A-G.
Other names: c.345A>G, p.Pro115= (NM_001145.4, NM_001385271.1, NM_001385272.1 and 2 more transcripts); c.-18+259A>G (NM_001282192.2); c.-17-5446A>G (NM_002937.5, NM_001282193.2); c.-18+5035A>G (NM_194431.3).
Identifiers: ClinVar variation 3352504 (VCV003352504.1).

ClinVar aggregate classification (germline): Likely benign (0 of 4 stars; one submission).

Conditions:
ANG-related disorder. Also called: ANG-related condition.

gnomAD v4.1: 10 of 1,614,176 alleles (0.00062%); highest among the groups gnomAD compares: Admixed American, 0.013%; no homozygotes.

Submission:

PreventionGenetics, part of Exact Sciences
Classification: Likely benign for ANG-related condition. Last evaluated: 2022-12-01. Review status: no assertion criteria provided. Collection method: clinical testing. Allele origin: germline.
Comment: This variant is classified as likely benign based on ACMG/AMP sequence variant interpretation guidelines (Richards et al. 2015 PMID: 25741868, with internal and published modifications).